The following is an entry in ClinVar:

ClinVar aggregate classification (germline): Uncertain significance (1 of 4 stars; one submission).

Conditions:
Progressive sclerosing poliodystrophy (MTDPS4A). Also called: ALPERS PROGRESSIVE INFANTILE POLIODYSTROPHY; NEURONAL DEGENERATION OF CHILDHOOD WITH LIVER DISEASE, PROGRESSIVE; Mitochondrial DNA Depletion Syndrome 4A; Alpers-Huttenlocher Syndrome (AHS); Alpers Syndrome; ALPERS DIFFUSE DEGENERATION OF CEREBRAL GRAY MATTER WITH HEPATIC CIRRHOSIS. Identifiers: Orphanet 726, MedGen C0205710, MONDO:0008758, OMIM 203700.

Allele frequency attached by ClinVar (database versions not stated): gnomAD exomes below 0.00001; ExAC 0.00001.
gnomAD v4.1: 1 of 1,612,262 alleles (0.000062%); highest among the groups gnomAD compares: Non-Finnish European, 0.000085%; no homozygotes.

Submission:

Labcorp Genetics (formerly Invitae), Labcorp
Classification: Uncertain significance for Progressive sclerosing poliodystrophy. Last evaluated: 2021-08-29. Review status: criteria provided, single submitter. Criteria: Invitae Variant Classification Sherloc (09022015). Collection method: clinical testing. Allele origin: germline.
Comment: This sequence change replaces methionine with leucine at codon 94 of the POLG protein (p.Met94Leu). The methionine residue is weakly conserved and there is a small physicochemical difference between methionine and leucine. This variant is present in population databases (rs778753625, ExAC 0.002%). This variant has not been reported in the literature in individuals affected with POLG-related conditions. Algorithms developed to predict the effect of missense changes on protein structure and function (SIFT, PolyPhen-2, Align-GVGD) all suggest that this variant is likely to be tolerated. In summary, the available evidence is currently insufficient to determine the role of this variant in disease. Therefore, it has been classified as a Variant of Uncertain Significance.

NM_002693.3(POLG):c.280A>T (p.Met94Leu)

Genes: POLGARF (POLG alternative reading frame; minus strand), POLG (DNA polymerase gamma, catalytic subunit; minus strand). Cytogenetic location: 15q26.1.
Variant type: single nucleotide variant.
Coding change: c.280A>T on transcript NM_002693.3 (MANE Select); coding-DNA position 280, A replaced by T.
Protein change: p.Met94Leu; replaces methionine 94 with leucine.
Molecular consequence: missense variant.
Genome position (GRCh38, 1-based): chr15:89,333,475, T>A on the plus strand (A>T on the coding strand, the complement: POLG is on the minus strand). VCF-style: chr15-89333475-T-A. GRCh37 (hg19) VCF-style: chr15-89876706-T-A.
Other names: c.280A>T, p.Met94Leu (NM_001126131.2); short protein forms M94L.
Identifiers: ClinVar variation 1516112 (VCV001516112.6), dbSNP rs778753625, ClinGen allele CA7725142.